The following is an entry in ClinVar:

ClinVar aggregate classification (germline): Uncertain significance (1 of 4 stars; one submission).

Conditions:
Hereditary cancer-predisposing syndrome. Also called: Hereditary neoplastic syndrome; Neoplastic Syndromes, Hereditary; Tumor predisposition; Hereditary Cancer Syndrome. Identifiers: Orphanet 140162, MedGen C0027672, MeSH D009386, MONDO:0015356.

Submission:

Ambry Genetics
Classification: Uncertain significance for Hereditary cancer-predisposing syndrome. Last evaluated: 2025-02-04. Review status: criteria provided, single submitter. Criteria: Ambry Variant Classification Scheme 2023. Collection method: clinical testing. Allele origin: germline.
Comment: The p.W260S variant (also known as c.779G>C), located in coding exon 4 of the FLCN gene, results from a G to C substitution at nucleotide position 779. The tryptophan at codon 260 is replaced by serine, an amino acid with highly dissimilar properties. However, this change occurs in the last base pair of coding exon 4, which makes it likely to have some effect on normal mRNA splicing. This nucleotide position is highly conserved in available vertebrate species. This amino acid position is highly conserved in available vertebrate species. In silico splice site analysis predicts that this alteration may weaken the native splice donor site and will result in the creation or strengthening of a novel splice donor site; however, direct evidence is insufficient at this time (Ambry internal data). In addition, as a missense, this alteration is predicted to be deleterious by in silico analysis. Based on the available evidence, the clinical significance of this variant remains unclear.

NM_144997.7(FLCN):c.779G>C (p.Trp260Ser)

Gene: FLCN (folliculin; minus strand). Cytogenetic location: 17p11.2.
Variant type: single nucleotide variant.
Coding change: c.779G>C on transcript NM_144997.7 (MANE Select); coding-DNA position 779, G replaced by C.
Protein change: p.Trp260Ser; replaces tryptophan 260 with serine.
Molecular consequence: missense variant.
Genome position (GRCh38, 1-based): chr17:17,222,501, C>G on the plus strand (G>C on the coding strand, the complement: FLCN is on the minus strand). VCF-style: chr17-17222501-C-G. GRCh37 (hg19) VCF-style: chr17-17125815-C-G.
Other names: c.833G>C, p.Trp278Ser (NM_001353229.2); c.779G>C, p.Trp260Ser (NM_001353230.2, NM_001353231.2, NM_144606.7); short protein forms W278S, W260S.
Identifiers: ClinVar variation 3850573 (VCV003850573.1).